The following is an entry in ClinVar:

ClinVar aggregate classification (germline): Uncertain significance (1 of 4 stars; one submission).

Conditions:
Hereditary sensory and autonomic neuropathy type 6. Also called: HSAN VI; Neuropathy, hereditary sensory and autonomic, type VI. Identifiers: Orphanet 314381, MedGen C3539003, MONDO:0013839, OMIM 614653.
Epidermolysis bullosa simplex 3, localized or generalized intermediate, with BP230 deficiency (EBS3). Also called: Epidermolysis bullosa simplex, autosomal recessive 2; Epidermolysis bullosa simplex due to BP230 deficiency. Identifiers: Orphanet 412181, MedGen C3809470, MONDO:0014180, OMIM 615425.

Allele frequency attached by ClinVar (database versions not stated): gnomAD 0.00001; gnomAD exomes 0.00001; TOPMed 0.00002.

Submission:

Labcorp Genetics (formerly Invitae), Labcorp
Classification: Uncertain significance for Epidermolysis bullosa simplex 3, localized or generalized intermediate, with BP230 deficiency; Hereditary sensory and autonomic neuropathy type 6. Last evaluated: 2023-08-04. Review status: criteria provided, single submitter. Criteria: Invitae Variant Classification Sherloc (09022015). Collection method: clinical testing. Allele origin: germline.
Comment: An algorithm developed to predict the effect of missense changes on protein structure and function (PolyPhen-2) suggests that this variant is likely to be disruptive. In summary, the available evidence is currently insufficient to determine the role of this variant in disease. Therefore, it has been classified as a Variant of Uncertain Significance. ClinVar contains an entry for this variant (Variation ID: 541431). This variant has not been reported in the literature in individuals affected with DST-related conditions. This variant is not present in population databases (gnomAD no frequency). This sequence change replaces glutamine, which is neutral and polar, with arginine, which is basic and polar, at codon 1705 of the DST protein (p.Gln1705Arg).

NM_001723.7(DST):c.5114A>G (p.Gln1705Arg)

Gene: DST (dystonin; minus strand). Cytogenetic location: 6p12.1.
Variant type: single nucleotide variant.
Coding change: c.5114A>G on transcript NM_001723.7 (MANE Plus Clinical); coding-DNA position 5114, A replaced by G.
Protein change: p.Gln1705Arg; replaces glutamine 1705 with arginine.
Molecular consequence: missense variant. On other transcripts: intron variant (10).
Genome position (GRCh38, 1-based): chr6:56,618,920, T>C on the plus strand (A>G on the coding strand, the complement: DST is on the minus strand). VCF-style: chr6-56618920-T-C. GRCh37 (hg19) VCF-style: chr6-56483718-T-C.
Other names: c.4831-4436A>G (NM_001144769.5); c.4930-4436A>G (NM_001374722.1, NM_001374736.1); c.4957-4436A>G (NM_001374734.1); c.4417-4436A>G (NM_001144770.2); c.4297-4436A>G (NM_001374730.1, NM_001386100.1, NM_183380.4 and 1 more transcripts); c.3319-4436A>G (NM_015548.5); short protein forms Q1705R.
Identifiers: ClinVar variation 541431 (VCV000541431.10), dbSNP rs1215446722, ClinGen allele CA364568125.
Genomic context (GRCh38, chr6:56,618,920, plus strand): 5'-AAGTGTAATTCGTCTTGTACTTTTTTCAACCTGTTATTTAACTCTTGCACCTGAGCTTGT[T>C]GTAGCTGAACTTTCTGCTCCCCGCGTCGCTTCTCTTCTTTGGAAGCATTCAGTTCCGCAT-3'
Protein context (NP_001714.1, residues 1695-1715): KRRGEQKVQL[Gln1705Arg]QAQVQELNNR